The following is an entry in ClinVar:

ClinVar aggregate classification (germline): Pathogenic (1 of 4 stars; one submission).

Conditions:
Familial cancer of breast. Also called: hereditary breast carcinoma; Hereditary breast cancer; BREAST CANCER, FAMILIAL. Identifiers: Orphanet 227535, MedGen C0346153, MONDO:0016419, OMIM 114480. Disease mechanism: loss of function.

Submission:

Myriad Genetics, Inc.
Classification: Pathogenic for Familial cancer of breast. Last evaluated: 2023-03-21. Review status: criteria provided, single submitter. Criteria: Myriad Autosomal Dominant, Autosomal Recessive and X-Linked Classification Criteria (2023). Collection method: clinical testing. Allele origin: unknown.
Comment: This variant is considered pathogenic. This variant creates a frameshift predicted to result in premature protein truncation.

NM_000465.4(BARD1):c.22_38delinsGTT (p.Arg8fs)

Gene: BARD1 (BRCA1 associated RING domain 1; minus strand). Cytogenetic location: 2q35.
Variant type: Indel.
Coding change: c.22_38delinsGTT on transcript NM_000465.4 (MANE Select); coding-DNA positions 22 to 38, AGGAACCGGCAGCCGAG replaced by GTT.
Protein change: p.Arg8fs; shifts the reading frame from arginine 8.
Molecular consequence: frameshift variant. On other transcripts: non-coding transcript variant (3).
Genome position (GRCh38, 1-based): chr2:214,809,532-214,809,548, CTCGGCTGCCGGTTCCT replaced by AAC on the plus strand (AGGAACCGGCAGCCGAG replaced by GTT on the coding strand, the reverse complement: BARD1 is on the minus strand). VCF-style: chr2-214809532-CTCGGCTGCCGGTTCCT-AAC. GRCh37 (hg19) VCF-style: chr2-215674256-CTCGGCTGCCGGTTCCT-AAC.
Other names: c.22_38delinsGTT, p.Arg8fs (NM_001282543.2, NM_001282545.2, NM_001282548.2 and 1 more transcripts); short protein forms R8fs.
Identifiers: ClinVar variation 2573240 (VCV002573240.1), dbSNP rs2469639907, ClinGen allele CA2580616684.